The following is an entry in ClinVar:

ClinVar aggregate classification (germline): Likely benign. Review status: criteria provided, single submitter (1 of 4 stars). 2 submissions from 2 submitters: Likely benign (1). 1 of the submissions does not count toward it. Last evaluated 2024-02-23.

Conditions:
Kabuki syndrome. Also called: NIIKAWA-KUROKI SYNDROME; Kabuki make-up syndrome. Identifiers: Orphanet 2322, MedGen C0796004, MONDO:0016512.
KMT2D-related disorder. Also called: KMT2D-Related Disorders.

gnomAD v4.1: 1 of 1,576,024 alleles (0.000063%); highest among the groups gnomAD compares: Non-Finnish European, 0.000086%; no homozygotes.

Submissions (2):

Labcorp Genetics (formerly Invitae), Labcorp
Classification: Likely benign for Kabuki syndrome. Last evaluated: 2024-02-23. Review status: criteria provided, single submitter. Criteria: Invitae Variant Classification Sherloc (09022015). Collection method: clinical testing. Allele origin: germline.

PreventionGenetics, part of Exact Sciences
Classification: Likely benign for KMT2D-related condition. Last evaluated: 2024-08-05. Review status: no assertion criteria provided. Collection method: clinical testing. Allele origin: germline. Not counted in ClinVar's aggregate classification.
Comment: This variant is classified as likely benign based on ACMG/AMP sequence variant interpretation guidelines (Richards et al. 2015 PMID: 25741868, with internal and published modifications).

NM_003482.4(KMT2D):c.2389C>T (p.Leu797=)

Gene: KMT2D (lysine methyltransferase 2D; minus strand). Cytogenetic location: 12q13.12.
Variant type: single nucleotide variant.
Coding change: c.2389C>T on transcript NM_003482.4 (MANE Select); coding-DNA position 2389, C replaced by T.
Protein change: p.Leu797=; no amino-acid change (leucine 797 retained).
Molecular consequence: synonymous variant.
Genome position (GRCh38, 1-based): chr12:49,051,294, G>A on the plus strand (C>T on the coding strand, the complement: KMT2D is on the minus strand). VCF-style: chr12-49051294-G-A. GRCh37 (hg19) VCF-style: chr12-49445077-G-A.
Identifiers: ClinVar variation 3353719 (VCV003353719.3).